The following is an entry in ClinVar:

ClinVar aggregate classification (germline): Uncertain significance (1 of 4 stars; one submission).

Conditions:
Inborn genetic diseases. Identifiers: MedGen C0950123, MeSH D030342.

Submission:

Ambry Genetics
Classification: Uncertain significance for Inborn genetic diseases. Last evaluated: 2024-12-27. Review status: criteria provided, single submitter. Criteria: Ambry Variant Classification Scheme 2023. Collection method: clinical testing. Allele origin: germline.
Comment: The c.2089A>G (p.N697D) alteration is located in exon 11 (coding exon 9) of the GRIN2A gene. This alteration results from a A to G substitution at nucleotide position 2089, causing the asparagine (N) at amino acid position 697 to be replaced by an aspartic acid (D). This variant was not reported in population-based cohorts in the Genome Aggregation Database (gnomAD). This amino acid position is highly conserved in available vertebrate species. This missense alteration is located in a region that has a low rate of benign missense variation (Lek, 2016; Firth, 2009). This alteration is predicted to be tolerated by in silico analysis. Based on insufficient or conflicting evidence, the clinical significance of this alteration remains unclear.

NM_001134407.3(GRIN2A):c.2089A>G (p.Asn697Asp)

Gene: GRIN2A (glutamate ionotropic receptor NMDA type subunit 2A; minus strand). Cytogenetic location: 16p13.2.
Variant type: single nucleotide variant.
Coding change: c.2089A>G on transcript NM_001134407.3 (MANE Select); coding-DNA position 2089, A replaced by G.
Protein change: p.Asn697Asp; replaces asparagine 697 with aspartic acid.
Molecular consequence: missense variant.
Genome position (GRCh38, 1-based): chr16:9,822,343, T>C on the plus strand (A>G on the coding strand, the complement: GRIN2A is on the minus strand). VCF-style: chr16-9822343-T-C. GRCh37 (hg19) VCF-style: chr16-9916200-T-C.
Other names: c.2089A>G, p.Asn697Asp (NM_000833.5, NM_001134408.2); short protein forms N697D.
Identifiers: ClinVar variation 3522692 (VCV003522692.2).